The following is an entry in ClinVar:

ClinVar aggregate classification (germline): Uncertain significance. Review status: criteria provided, multiple submitters, no conflicts (2 of 4 stars). 2 submissions from 2 submitters: Uncertain significance (2). Last evaluated 2025-12-10.

Submissions (2):

Labcorp Genetics (formerly Invitae), Labcorp
Classification: Uncertain significance. Last evaluated: 2025-12-10. Review status: criteria provided, single submitter. Criteria: Invitae Variant Classification Sherloc (09022015). Collection method: clinical testing. Allele origin: germline.
Comment: This sequence change replaces glycine, which is neutral and non-polar, with valine, which is neutral and non-polar, at codon 292 of the NACC1 protein (p.Gly292Val). This variant is not present in population databases (gnomAD no frequency). This variant has not been reported in the literature in individuals affected with NACC1-related conditions. ClinVar contains an entry for this variant (Variation ID: 4074677). Invitae Evidence Modeling of protein sequence and biophysical properties (such as structural, functional, and spatial information, amino acid conservation, physicochemical variation, residue mobility, and thermodynamic stability) indicates that this missense variant is not expected to disrupt NACC1 protein function with a negative predictive value of 80%. In summary, the available evidence is currently insufficient to determine the role of this variant in disease. Therefore, it has been classified as a Variant of Uncertain Significance.

GeneDx
Classification: Uncertain significance. Last evaluated: 2025-02-07. Review status: criteria provided, single submitter. Criteria: GeneDx Variant Classification Process June 2021. Collection method: clinical testing. Allele origin: germline. Affected: yes.
Comment: Not observed at significant frequency in large population cohorts (gnomAD); In silico analysis indicates that this missense variant does not alter protein structure/function; Has not been previously published as pathogenic or benign to our knowledge

NM_052876.4(NACC1):c.875G>T (p.Gly292Val)

Gene: NACC1 (nucleus accumbens associated 1; plus strand). Cytogenetic location: 19p13.13.
Variant type: single nucleotide variant.
Coding change: c.875G>T on transcript NM_052876.4 (MANE Select); coding-DNA position 875, G replaced by T.
Protein change: p.Gly292Val; replaces glycine 292 with valine.
Molecular consequence: missense variant.
Genome position (GRCh38, 1-based): chr19:13,136,082, G>T. VCF-style: chr19-13136082-G-T. GRCh37 (hg19) VCF-style: chr19-13246896-G-T.
Other names: short protein forms G292V.
Identifiers: ClinVar variation 4074677 (VCV004074677.2).
Genomic context (GRCh38, chr19:13,136,082, plus strand): 5'-GCGACAGCCCTGGCTCCTACCACAATGAGGAGGACGAGGAGGAGGATGGTGGCGAGGAGG[G>T]CATGGATGAGCAGTACCGGCAGATCTGCAACATGTACACCATGTACAGCATGATGAACGT-3'
Protein context (NP_443108.1, residues 282-302): EDEEEDGGEE[Gly292Val]MDEQYRQICN